The following is an entry in ClinVar:

ClinVar aggregate classification (germline): Uncertain significance. Review status: criteria provided, multiple submitters, no conflicts (2 of 4 stars). 5 submissions from 5 submitters: Uncertain significance (5). Last evaluated 2025-10-02.

Conditions:
Knobloch syndrome 1 (KNO1). Identifiers: MedGen C4551775, MONDO:0800167, OMIM 267750.
Hereditary glaucoma, primary closed-angle. Also called: Glaucoma, primary closed-angle. Identifiers: MedGen C5394374, MONDO:0030038, OMIM 618880.
COL18A1-related disorder. Also called: COL18A1-related disorders; COL18A1-related condition.
Knobloch syndrome (KNO). Also called: Myopia retinal detachment encephalocele; RETINAL DETACHMENT AND OCCIPITAL ENCEPHALOCELE. Identifiers: Orphanet 1571, MedGen C1849409, MONDO:0800166.

Allele frequency attached by ClinVar (database versions not stated): gnomAD 0.00017 and 0.00019; ExAC 0.00019; gnomAD exomes 0.00023 and 0.00026; TOPMed 0.00026; ESP Exome Variant Server 0.00032.
gnomAD v4.1: 405 of 1,613,882 alleles (0.025%); highest among the groups gnomAD compares: Middle Eastern, 0.18%; no homozygotes.

Submissions (5):

PreventionGenetics, part of Exact Sciences
Classification: Uncertain significance for COL18A1-related condition. Last evaluated: 2025-10-02. Review status: criteria provided, single submitter. Criteria: ACMG Guidelines, 2015. Collection method: clinical testing. Allele origin: germline.
Comment: The COL18A1 c.1851+5G>C variant is predicted to interfere with splicing. This variant is predicted to alter splicing based on available splicing prediction programs (SpliceAI, Jaganathan et al. 2019. PubMed ID: 30661751). However, the use of computer prediction programs is not equivalent to functional evidence. To our knowledge, this variant has not been reported in the literature. This variant is reported in 0.045% of alleles in individuals of European (Non-Finnish) descent in gnomAD. At this time, the clinical significance of this variant is uncertain due to the absence of conclusive functional and genetic evidence.

Blueprint Genetics
Classification: Uncertain significance. Last evaluated: 2024-11-04. Review status: criteria provided, single submitter. Criteria: ACMG Guidelines, 2015. Collection method: clinical testing. Allele origin: germline.

Labcorp Genetics (formerly Invitae), Labcorp
Classification: Uncertain significance. Last evaluated: 2024-01-22. Review status: criteria provided, single submitter. Criteria: Invitae Variant Classification Sherloc (09022015). Collection method: clinical testing. Allele origin: germline.
Comment: This sequence change falls in intron 10 of the COL18A1 gene. It does not directly change the encoded amino acid sequence of the COL18A1 protein. It affects a nucleotide within the consensus splice site. This variant is present in population databases (rs200610309, gnomAD 0.04%). This variant has not been reported in the literature in individuals affected with COL18A1-related conditions. ClinVar contains an entry for this variant (Variation ID: 899244). Variants that disrupt the consensus splice site are a relatively common cause of aberrant splicing (PMID: 17576681, 9536098). Algorithms developed to predict the effect of sequence changes on RNA splicing suggest that this variant is not likely to affect RNA splicing. In summary, the available evidence is currently insufficient to determine the role of this variant in disease. Therefore, it has been classified as a Variant of Uncertain Significance.

Department of Pathology and Laboratory Medicine, Sinai Health System
Classification: Uncertain significance for Knobloch syndrome 1; Hereditary glaucoma, primary closed-angle. Last evaluated: 2021-08-30. Review status: criteria provided, single submitter. Criteria: ACMG Guidelines, 2015. Collection method: research. Allele origin: germline.

Illumina Laboratory Services, Illumina
Classification: Uncertain significance for Knobloch syndrome 1. Last evaluated: 2018-01-12. Review status: criteria provided, single submitter. Criteria: ICSL Variant Classification Criteria 13 December 2019. Collection method: clinical testing. Allele origin: germline.

Literature cited by the submitters: PubMed 17576681 (cited by Labcorp Genetics (formerly Invitae), Labcorp); PubMed 9536098 (cited by Labcorp Genetics (formerly Invitae), Labcorp).

NM_001379500.1(COL18A1):c.1311+5G>C

Gene: COL18A1 (collagen type XVIII alpha 1 chain; plus strand). Cytogenetic location: 21q22.3.
Variant type: single nucleotide variant.
Coding change: c.1311+5G>C on transcript NM_001379500.1 (MANE Select); 5 bases into the intron after coding-DNA position 1311, G replaced by C.
Molecular consequence: intron variant.
Genome position (GRCh38, 1-based): chr21:45,479,969, G>C. VCF-style: chr21-45479969-G-C. GRCh37 (hg19) VCF-style: chr21-46899883-G-C.
Other names: NM_130445.2:c.1311+5G>C; c.2556+5G>C (NM_130444.3); c.1851+5G>C (NM_030582.4, NM_030582.3).
Identifiers: ClinVar variation 899244 (VCV000899244.10), dbSNP rs200610309, ClinGen allele CA10066230.